The following is an entry in ClinVar:

ClinVar aggregate classification (germline): Benign/Likely benign. Review status: criteria provided, multiple submitters, no conflicts (2 of 4 stars). 4 submissions from 4 submitters: Benign (3); Likely benign (1). Last evaluated 2026-01-12.

Allele frequency attached by ClinVar (database versions not stated): 1000 Genomes Project 30x 0.01202; 1000 Genomes Project 0.01278; TOPMed 0.01724; gnomAD 0.01732 and 0.01771; ESP Exome Variant Server 0.01953; gnomAD exomes 0.02113 and 0.02365; ExAC 0.02230.
gnomAD v4.1: 37,253 of 1,611,396 alleles (2.3%); highest among the groups gnomAD compares: South Asian, 3.2%; 552 homozygotes.

Submissions (4):

Labcorp Genetics (formerly Invitae), Labcorp
Classification: Benign. Last evaluated: 2026-01-12. Review status: criteria provided, single submitter. Criteria: Invitae Variant Classification Sherloc (09022015). Collection method: clinical testing. Allele origin: germline.

Blueprint Genetics
Classification: Likely benign. Last evaluated: 2024-11-26. Review status: criteria provided, single submitter. Criteria: ACMG Guidelines, 2015. Collection method: clinical testing. Allele origin: germline.

GeneDx
Classification: Benign. Last evaluated: 2020-01-27. Review status: criteria provided, single submitter. Criteria: GeneDx Variant Classification Process June 2021. Collection method: clinical testing. Allele origin: germline. Affected: yes.
Comment: This variant is associated with the following publications: (PMID: 25007886)

Breakthrough Genomics
Classification: Benign. Review status: criteria provided, single submitter. Criteria: ACMG Guidelines, 2015. Collection method: not provided. Allele origin: germline. Inheritance: Autosomal dominant inheritance. Affected: yes.

NM_005202.4(COL8A2):c.1758C>T (p.Pro586=)

Gene: COL8A2 (collagen type VIII alpha 2 chain; minus strand). Cytogenetic location: 1p34.3.
Variant type: single nucleotide variant.
Coding change: c.1758C>T on transcript NM_005202.4 (MANE Select); coding-DNA position 1758, C replaced by T.
Protein change: p.Pro586=; no amino-acid change (proline 586 retained).
Molecular consequence: synonymous variant.
Genome position (GRCh38, 1-based): chr1:36,097,923, G>A on the plus strand (C>T on the coding strand, the complement: COL8A2 is on the minus strand). VCF-style: chr1-36097923-G-A. GRCh37 (hg19) VCF-style: chr1-36563524-G-A.
Other names: c.1563C>T, p.Pro521= (NM_001294347.2).
Identifiers: ClinVar variation 1258933 (VCV001258933.12), dbSNP rs35841184, ClinGen allele CA764879.